The following is an entry in ClinVar:

NM_001613.4(ACTA2):c.900C>G (p.Val300=)

Genes: ACTA2 (actin alpha 2, smooth muscle; minus strand), ACTA2-AS1 (ACTA2 antisense RNA 1; plus strand). Cytogenetic location: 10q23.31.
Variant type: single nucleotide variant.
Coding change: c.900C>G on transcript NM_001613.4 (MANE Select); coding-DNA position 900, C replaced by G.
Protein change: p.Val300=; no amino-acid change (valine 300 retained).
Molecular consequence: synonymous variant.
Genome position (GRCh38, 1-based): chr10:88,938,151, G>C on the plus strand (C>G on the coding strand, the complement: ACTA2 is on the minus strand). VCF-style: chr10-88938151-G-C. GRCh37 (hg19) VCF-style: chr10-90697908-G-C.
Other names: c.900C>G, p.Val300= (NM_001141945.3, NM_001320855.2, NM_001406462.1 and 2 more transcripts); c.789C>G, p.Val263= (NM_001406466.1); c.771C>G, p.Val257= (NM_001406467.1, NM_001406468.1, NM_001406469.1); c.708C>G, p.Val236= (NM_001406471.1).
Identifiers: ClinVar variation 2973588 (VCV002973588.5), dbSNP rs2133246362, ClinGen allele CA470729852.
Genomic context (GRCh38, chr10:88,938,151, plus strand): 5'-CGTGATCTCCTTCTGCATTCGGTCGGCAATGCCAGGGTACATAGTGGTGCCCCCTGATAG[G>C]ACATTGTTAGCATAGAGGTCCTTCCTGATGTCAATATCACACTTCATGATGCTGTTGTAG-3'
Protein context (NP_001604.1, residues 290-310): DIRKDLYANN[Val300=]LSGGTTMYPG

ClinVar aggregate classification (germline): Likely benign. Review status: criteria provided, multiple submitters, no conflicts (2 of 4 stars). 3 submissions from 3 submitters: Likely benign (3). Last evaluated 2024-10-31.

Conditions:
Aortic aneurysm, familial thoracic 6 (AAT6). Also called: FAMILIAL THORACIC AORTIC ANEURYSM WITH LIVEDO RETICULARIS AND IRIS FLOCCULI. Identifiers: MedGen C2673186, MONDO:0012730, OMIM 611788.
Familial thoracic aortic aneurysm and aortic dissection (TAAD). Also called: Thoracic aortic aneurysms and dissections. Identifiers: Orphanet 91387, MedGen C4707243, MONDO:0019625.

Allele frequency attached by ClinVar (database versions not stated): gnomAD exomes below 0.00001.
gnomAD v4.1: 1 of 1,614,006 alleles (0.000062%); highest among the groups gnomAD compares: Non-Finnish European, 0.000085%; no homozygotes.

Submissions (3):

Labcorp Genetics (formerly Invitae), Labcorp
Classification: Likely benign for Aortic aneurysm, familial thoracic 6. Last evaluated: 2024-10-31. Review status: criteria provided, single submitter. Criteria: Invitae Variant Classification Sherloc (09022015). Collection method: clinical testing. Allele origin: germline.

Ambry Genetics
Classification: Likely benign for Familial thoracic aortic aneurysm and aortic dissection. Last evaluated: 2024-08-19. Review status: criteria provided, single submitter. Criteria: Ambry Variant Classification Scheme 2023. Collection method: clinical testing. Allele origin: germline.

All of Us Research Program, National Institutes of Health
Classification: Likely benign for Familial thoracic aortic aneurysm and aortic dissection. Last evaluated: 2024-03-14. Review status: criteria provided, single submitter. Criteria: ACMG Guidelines, 2015. Collection method: clinical testing. Allele origin: germline. Inheritance: Autosomal dominant inheritance. Observed: 1 variant allele, 1 heterozygote.
Comment: This study involves interpretation of variants in research participants for the purpose of population health screening. Participant phenotype was not available at the time of variant classification. Additional details can be found in publication PMID: 35346344, PMCID: PMC8962531